The following is an entry in ClinVar:

NM_004098.4(EMX2):c.428G>A (p.Ser143Asn)

Gene: EMX2 (empty spiracles homeobox 2; plus strand). Cytogenetic location: 10q26.11.
Variant type: single nucleotide variant.
Coding change: c.428G>A on transcript NM_004098.4 (MANE Select); coding-DNA position 428, G replaced by A.
Protein change: p.Ser143Asn; replaces serine 143 with asparagine.
Molecular consequence: missense variant. On other transcripts: intron variant (1).
Genome position (GRCh38, 1-based): chr10:117,545,653, G>A. VCF-style: chr10-117545653-G-A. GRCh37 (hg19) VCF-style: chr10-119305164-G-A.
Other names: c.406+1980G>A (NM_001165924.2); short protein forms S143N.
Identifiers: ClinVar variation 2379733 (VCV002379733.2), dbSNP rs1846567301, ClinGen allele CA378564979.

ClinVar aggregate classification (germline): Uncertain significance (1 of 4 stars; one submission).

Conditions:
Inborn genetic diseases. Identifiers: MedGen C0950123, MeSH D030342.

Allele frequency attached by ClinVar (database versions not stated): gnomAD exomes below 0.00001; TOPMed below 0.00001.
gnomAD v4.1: 5 of 1,614,136 alleles (0.00031%); highest among the groups gnomAD compares: Non-Finnish European, 0.00042%; no homozygotes.

Submission:

Ambry Genetics
Classification: Uncertain significance for Inborn genetic diseases. Last evaluated: 2021-03-08. Review status: criteria provided, single submitter. Criteria: Ambry Variant Classification Scheme 2023. Collection method: clinical testing. Allele origin: germline.
Comment: The c.428G>A (p.S143N) alteration is located in exon 2 (coding exon 2) of the EMX2 gene. This alteration results from a G to A substitution at nucleotide position 428, causing the serine (S) at amino acid position 143 to be replaced by an asparagine (N). The p.S143N alteration is predicted to be tolerated by in silico analysis. Based on insufficient or conflicting evidence, the clinical significance of this alteration remains unclear.